The following is an entry in ClinVar:

NM_006567.5(FARS2):c.771T>C (p.Asp257=)

Gene: FARS2 (phenylalanyl-tRNA synthetase 2, mitochondrial; plus strand). Cytogenetic location: 6p25.1.
Variant type: single nucleotide variant.
Coding change: c.771T>C on transcript NM_006567.5 (MANE Select); coding-DNA position 771, T replaced by C.
Protein change: p.Asp257=; no amino-acid change (aspartic acid 257 retained).
Molecular consequence: synonymous variant.
Genome position (GRCh38, 1-based): chr6:5,404,700, T>C. VCF-style: chr6-5404700-T-C. GRCh37 (hg19) VCF-style: chr6-5404933-T-C.
Other names: c.771T>C, p.Asp257= (NM_001318872.2, NM_001374875.1, NM_001374876.1 and 5 more transcripts); c.75T>C, p.Asp25= (NM_001375259.1, NM_001375260.1).
Identifiers: ClinVar variation 1004049 (VCV001004049.6), dbSNP rs779590953, ClinGen allele CA3623728.
Genomic context (GRCh38, chr6:5,404,700, plus strand): 5'-GCTTGTAGAGTTTGATCTTAAGCAAACGCTTACCAGGCTCATGGCACATCTTTTTGGAGA[T>C]GGTAAGTGCTCAAACACAGGTTGACGATCTCTTATCTGAAATACTTGGGACAGAAGTGTT-3'
Protein context (NP_006558.1, residues 247-267): LTRLMAHLFG[Asp257=]ELEIRWVDCY

ClinVar aggregate classification (germline): Uncertain significance (1 of 4 stars; one submission).

Conditions:
Combined oxidative phosphorylation defect type 14. Also called: Combined oxidative phosphorylation deficiency 14. Identifiers: Orphanet 319519, MedGen C4755312, MONDO:0013986, OMIM 614946.

Allele frequency attached by ClinVar (database versions not stated): ExAC 0.00002; gnomAD exomes 0.00002.
gnomAD v4.1: 24 of 1,586,138 alleles (0.0015%); highest among the groups gnomAD compares: Non-Finnish European, 0.0021%; no homozygotes.

Submission:

Labcorp Genetics (formerly Invitae), Labcorp
Classification: Uncertain significance for Combined oxidative phosphorylation defect type 14. Last evaluated: 2025-01-11. Review status: criteria provided, single submitter. Criteria: Invitae Variant Classification Sherloc (09022015). Collection method: clinical testing. Allele origin: germline.
Comment: This sequence change affects codon 257 of the FARS2 mRNA. It is a 'silent' change, meaning that it does not change the encoded amino acid sequence of the FARS2 protein. It affects a nucleotide within the consensus splice site. This variant is present in population databases (rs779590953, gnomAD 0.005%). This variant has not been reported in the literature in individuals affected with FARS2-related conditions. ClinVar contains an entry for this variant (Variation ID: 1004049). Algorithms developed to predict the effect of sequence changes on RNA splicing suggest that this variant is not likely to affect RNA splicing. In summary, the available evidence is currently insufficient to determine the role of this variant in disease. Therefore, it has been classified as a Variant of Uncertain Significance.